The following is an entry in ClinVar:

NM_000041.4(APOE):c.208C>T (p.Leu70Phe)

Gene: APOE (apolipoprotein E; plus strand). Cytogenetic location: 19q13.32.
Variant type: single nucleotide variant.
Coding change: c.208C>T on transcript NM_000041.4 (MANE Select); coding-DNA position 208, C replaced by T.
Protein change: p.Leu70Phe; replaces leucine 70 with phenylalanine.
Molecular consequence: missense variant.
Genome position (GRCh38, 1-based): chr19:44,907,924, C>T. VCF-style: chr19-44907924-C-T. GRCh37 (hg19) VCF-style: chr19-45411181-C-T.
Other names: c.286C>T, p.Leu96Phe (NM_001302688.2); c.208C>T, p.Leu70Phe (NM_001302689.2, NM_001302690.2, NM_001302691.2); short protein forms L70F, L96F.
Identifiers: ClinVar variation 4876238 (VCV004876238.1).

ClinVar aggregate classification (germline): Uncertain significance (1 of 4 stars; one submission).

Conditions:
Familial hypercholesterolemia. Also called: Familial hypercholesterolemias; Familial hypercholesterolaemia. Identifiers: MedGen C0020445, MONDO:0005439.

Submission:

Cambridge Genomics Laboratory, East Genomic Laboratory Hub, NHS Genomic Medicine Service
Classification: Uncertain significance for Familial hypercholesterolaemia. Last evaluated: 2026-06-16. Review status: criteria provided, single submitter. Criteria: ACGS Best Practice Guidelines for Variant Classification in Rare Disease 2020. Collection method: clinical testing. Allele origin: germline. Affected: yes.
Comment: PM2,PP4,BP4